The following is an entry in ClinVar:

ClinVar aggregate classification (germline): Uncertain significance (1 of 4 stars; one submission).

Conditions:
Cardiovascular phenotype. Identifiers: MedGen CN230736.

gnomAD v4.1: 1 of 1,613,832 alleles (0.000062%); highest among the groups gnomAD compares: Non-Finnish European, 0.000085%; no homozygotes.

Submission:

Ambry Genetics
Classification: Uncertain significance for Cardiovascular phenotype. Last evaluated: 2024-09-11. Review status: criteria provided, single submitter. Criteria: Ambry Variant Classification Scheme 2023. Collection method: clinical testing. Allele origin: germline.
Comment: The p.A285G variant (also known as c.854C>G), located in coding exon 6 of the FKTN gene, results from a C to G substitution at nucleotide position 854. The alanine at codon 285 is replaced by glycine, an amino acid with similar properties. This amino acid position is conserved. In addition, the in silico prediction for this alteration is inconclusive. Based on the available evidence, the clinical significance of this variant remains unclear.

NM_001079802.2(FKTN):c.854C>G (p.Ala285Gly)

Gene: FKTN (fukutin; plus strand). Cytogenetic location: 9q31.2.
Variant type: single nucleotide variant.
Coding change: c.854C>G on transcript NM_001079802.2 (MANE Select); coding-DNA position 854, C replaced by G.
Protein change: p.Ala285Gly; replaces alanine 285 with glycine.
Molecular consequence: missense variant. On other transcripts: non-coding transcript variant (1).
Genome position (GRCh38, 1-based): chr9:105,615,351, C>G. VCF-style: chr9-105615351-C-G. GRCh37 (hg19) VCF-style: chr9-108377632-C-G.
Other names: c.854C>G, p.Ala285Gly (NM_001198963.2, NM_001351496.2, NM_001351498.2 and 1 more transcripts); c.785C>G, p.Ala262Gly (NM_001351497.2); c.458C>G, p.Ala153Gly (NM_001351499.2, NM_001351500.2, NM_001351501.2 and 1 more transcripts); short protein forms A153G, A262G, A285G.
Identifiers: ClinVar variation 3515587 (VCV003515587.1).